The following is an entry in ClinVar:

NM_000180.4(GUCY2D):c.2146G>A (p.Asp716Asn)

Gene: GUCY2D (guanylate cyclase 2D, retinal; plus strand). Cytogenetic location: 17p13.1.
Variant type: single nucleotide variant.
Coding change: c.2146G>A on transcript NM_000180.4 (MANE Select); coding-DNA position 2146, G replaced by A.
Protein change: p.Asp716Asn; replaces aspartic acid 716 with asparagine.
Molecular consequence: missense variant.
Genome position (GRCh38, 1-based): chr17:8,013,135, G>A. VCF-style: chr17-8013135-G-A. GRCh37 (hg19) VCF-style: chr17-7916453-G-A.
Other names: short protein forms D716N.
Identifiers: ClinVar variation 1446496 (VCV001446496.8), dbSNP rs755464893, ClinGen allele CA8366023.

ClinVar aggregate classification (germline): Uncertain significance. Review status: criteria provided, multiple submitters, no conflicts (2 of 4 stars). 3 submissions from 3 submitters: Uncertain significance (3). Last evaluated 2024-03-12.

Conditions:
Cone-rod dystrophy 6 (CORD6). Also called: Cone dystrophy progressive; RETINAL CONE DYSTROPHY 2. Identifiers: Orphanet 1872, MedGen C1866293, MONDO:0011143, OMIM 601777.
Leber congenital amaurosis 1 (LCA1). Also called: Congenital absence of the rods and cones; Leber's congenital tapetoretinal degeneration; Leber's congenital tapetoretinal dysplasia; AMAUROSIS CONGENITA OF LEBER I; RETINAL BLINDNESS, CONGENITAL. Identifiers: Orphanet 65, MedGen C2931258, MONDO:0008764, OMIM 204000.
Night blindness, congenital stationary, type1i. Also called: NIGHT BLINDNESS, CONGENITAL STATIONARY, TYPE 1I. Identifiers: MedGen C5231408, MONDO:0032811, OMIM 618555.
Choroidal dystrophy, central areolar, 1. Identifiers: Orphanet 75377, MedGen C4551884, MONDO:0024539, OMIM 215500.

Allele frequency attached by ClinVar (database versions not stated): TOPMed below 0.00001; gnomAD 0.00001; gnomAD exomes 0.00001 and 0.00002; ExAC 0.00002.
gnomAD v4.1: 12 of 1,613,484 alleles (0.00074%); highest among the groups gnomAD compares: Admixed American, 0.0017%; no homozygotes.

Submissions (3):

Labcorp Genetics (formerly Invitae), Labcorp
Classification: Uncertain significance for Leber congenital amaurosis 1; Cone-rod dystrophy 6. Last evaluated: 2024-03-12. Review status: criteria provided, single submitter. Criteria: Invitae Variant Classification Sherloc (09022015). Collection method: clinical testing. Allele origin: germline.
Comment: This sequence change replaces aspartic acid, which is acidic and polar, with asparagine, which is neutral and polar, at codon 716 of the GUCY2D protein (p.Asp716Asn). This variant is present in population databases (rs755464893, gnomAD 0.003%). This variant has not been reported in the literature in individuals affected with GUCY2D-related conditions. ClinVar contains an entry for this variant (Variation ID: 1446496). Advanced modeling of protein sequence and biophysical properties (such as structural, functional, and spatial information, amino acid conservation, physicochemical variation, residue mobility, and thermodynamic stability) performed at Invitae indicates that this missense variant is not expected to disrupt GUCY2D protein function with a negative predictive value of 80%. In summary, the available evidence is currently insufficient to determine the role of this variant in disease. Therefore, it has been classified as a Variant of Uncertain Significance.

Fulgent Genetics
Classification: Uncertain significance for Leber congenital amaurosis 1; Choroidal dystrophy, central areolar, 1; Cone-rod dystrophy 6; Night blindness, congenital stationary, type1i. Last evaluated: 2022-01-12. Review status: criteria provided, single submitter. Criteria: ACMG Guidelines, 2015. Collection method: clinical testing. Allele origin: unknown.

Blueprint Genetics
Classification: Uncertain significance. Last evaluated: 2018-03-08. Review status: criteria provided, single submitter. Criteria: ACMG Guidelines, 2015. Collection method: clinical testing. Allele origin: germline.